The following is an entry in ClinVar:

NM_001166108.2(PALLD):c.1965-12804A>G

Gene: PALLD (palladin, cytoskeletal associated protein; plus strand). Cytogenetic location: 4q32.3.
Variant type: single nucleotide variant.
Coding change: c.1965-12804A>G on transcript NM_001166108.2 (MANE Select); 12804 bases into the intron before coding-DNA position 1965, A replaced by G.
Molecular consequence: intron variant. On other transcripts: missense variant (1).
Genome position (GRCh38, 1-based): chr4:168,878,118, A>G. VCF-style: chr4-168878118-A-G. GRCh37 (hg19) VCF-style: chr4-169799269-A-G.
Other names: c.227A>G, p.Glu76Gly (NM_001166110.2); c.1965-12804A>G (NM_016081.4); c.819-12804A>G (NM_001166109.2); c.-157-12804A>G (NM_001367570.1, NM_001367568.1, NM_001367567.1 and 1 more transcripts); short protein forms E76G.
Identifiers: ClinVar variation 5026248 (VCV005026248.1).
Genomic context (GRCh38, chr4:168,878,118, plus strand): 5'-CGACGCCGAGGCAGTTCGGCCGCGCCCCCGTGCCGCCCTTCGCGCAGCCCTTCGGCGCTG[A>G]GCCCGAGGCCCCGTGGGGCTCCTCCTCGCCGTCGCCCCCGCCCCCGCCACCCCCGGTCTT-3'

ClinVar aggregate classification (germline): Uncertain significance (1 of 4 stars; one submission).

Submission:

Ambry Genetics
Classification: Uncertain significance. Last evaluated: 2026-08-22. Review status: criteria provided, single submitter. Criteria: Ambry Variant Classification Scheme 2023. Collection method: clinical testing. Allele origin: germline.
Comment: The p.E76G variant (also known as c.227A>G), located in coding exon 1 of the PALLD gene, results from an A to G substitution at nucleotide position 227. The glutamic acid at codon 76 is replaced by glycine, an amino acid with similar properties. This amino acid position is conserved. In addition, this alteration is predicted to be tolerated by in silico analysis. Based on the available evidence, the clinical significance of this variant remains unclear.